The following is an entry in ClinVar:

ClinVar aggregate classification (germline): Benign (1 of 4 stars; one submission).

Allele frequency attached by ClinVar (database versions not stated): gnomAD 0.00008; gnomAD exomes 0.00010; TOPMed 0.00011.

Submission:

CeGaT Center for Human Genetics Tuebingen
Classification: Benign. Last evaluated: 2022-10-01. Review status: criteria provided, single submitter. Criteria: CeGaT Center For Human Genetics Tuebingen Variant Classification Criteria Version 2. Collection method: clinical testing. Allele origin: germline. Affected: yes. Observed: 1 variant allele.
Comment: KCNQ1OT1: BS1, BS2

NM_000218.3(KCNQ1):c.1514+10930_1514+10933dup

Genes: KCNQ1 (potassium voltage-gated channel subfamily Q member 1; plus strand), KCNQ1OT1 (KCNQ1 opposite strand/antisense transcript 1; minus strand). Cytogenetic location: 11p15.5.
Variant type: Duplication.
Coding change: c.1514+10930_1514+10933dup on transcript NM_000218.3 (MANE Select); bases 10930 to 10933 of the intron after coding-DNA position 1514, 4 bases duplicated (TGTT; older notation c.1514+10930_1514+10933dupTGTT).
Molecular consequence: intron variant. On other transcripts: non-coding transcript variant (1).
Genome position (GRCh38, 1-based): chr11:2,673,011-2,673,014, TGTT duplicated. VCF-style (leftmost placement, unchanged base first): chr11-2673010-G-GTGTT. GRCh37 (hg19) VCF-style: chr11-2694240-G-GTGTT.
Other names: c.1244+10930_1244+10933dup (NM_001406837.1); c.1418+10930_1418+10933dup (NM_001406836.1); c.974+10930_974+10933dup (NM_001406838.1); c.1133+10930_1133+10933dup (NM_181798.2).
Identifiers: ClinVar variation 2641469 (VCV002641469.24), dbSNP rs1476689511, ClinGen allele CA597443168.